The following is an entry in ClinVar:

ClinVar aggregate classification (germline): Uncertain significance (1 of 4 stars; one submission).

Allele frequency attached by ClinVar (database versions not stated): gnomAD exomes 0.00001 and 0.00002; ExAC 0.00002; TOPMed 0.00013; ESP Exome Variant Server 0.00015; gnomAD 0.00015 and 0.00016; 1000 Genomes Project 30x 0.00016; 1000 Genomes Project 0.00020.
gnomAD v4.1: 35 of 1,613,200 alleles (0.0022%); highest among the groups gnomAD compares: African/African-American, 0.041%; no homozygotes.

Submission:

Labcorp Genetics (formerly Invitae), Labcorp
Classification: Uncertain significance. Last evaluated: 2022-07-19. Review status: criteria provided, single submitter. Criteria: Invitae Variant Classification Sherloc (09022015). Collection method: clinical testing. Allele origin: germline.
Comment: This sequence change replaces arginine, which is basic and polar, with glutamine, which is neutral and polar, at codon 1645 of the LCT protein (p.Arg1645Gln). This variant is present in population databases (rs139606379, gnomAD 0.03%). This variant has not been reported in the literature in individuals affected with LCT-related conditions. ClinVar contains an entry for this variant (Variation ID: 1468736). Algorithms developed to predict the effect of missense changes on protein structure and function are either unavailable or do not agree on the potential impact of this missense change (SIFT: "Not Available"; PolyPhen-2: "Benign"; Align-GVGD: "Not Available"). In summary, the available evidence is currently insufficient to determine the role of this variant in disease. Therefore, it has been classified as a Variant of Uncertain Significance.

NM_002299.4(LCT):c.4934G>A (p.Arg1645Gln)

Gene: LCT (lactase; minus strand). Cytogenetic location: 2q21.3.
Variant type: single nucleotide variant.
Coding change: c.4934G>A on transcript NM_002299.4 (MANE Select); coding-DNA position 4934, G replaced by A.
Protein change: p.Arg1645Gln; replaces arginine 1645 with glutamine.
Molecular consequence: missense variant.
Genome position (GRCh38, 1-based): chr2:135,798,071, C>T on the plus strand (G>A on the coding strand, the complement: LCT is on the minus strand). VCF-style: chr2-135798071-C-T. GRCh37 (hg19) VCF-style: chr2-136555641-C-T.
Other names: short protein forms R1645Q.
Identifiers: ClinVar variation 1468736 (VCV001468736.5), dbSNP rs139606379, ClinGen allele CA1887736.
Genomic context (GRCh38, chr2:135,798,071, plus strand): 5'-CGGGCACCAGGCCCTTACCGAGACTTGTTGAGGCCTGCAGCCAAGCTCCTGTCACGGATC[C>T]GCGTCTTCATCACCTCATTGTAATCTCCATTCTTGAAAATAGGATGTGCAAACCAGCCTC-3'
Protein context (NP_002290.2, residues 1635-1655): NGDYNEVMKT[Arg1645Gln]IRDRSLAAGL